The following is an entry in ClinVar:

ClinVar aggregate classification (germline): Conflicting classifications of pathogenicity. Review status: criteria provided, conflicting classifications (1 of 4 stars). 13 submissions from 9 submitters: Uncertain significance (7); Benign (2); Likely benign (3). 1 of the submissions does not count toward it. Last evaluated 2025-06-16.

Conditions:
TTN-related disorder. Also called: TTN-related condition; TTN-related disease; TTN-related disorders.
Cardiovascular phenotype. Identifiers: MedGen CN230736.
Dilated cardiomyopathy 1G (CMD1G). Identifiers: Orphanet 154, MedGen C1858763, MONDO:0011400, OMIM 604145.
Autosomal recessive limb-girdle muscular dystrophy type 2J (LGMDR10). Also called: MUSCULAR DYSTROPHY, LIMB-GIRDLE, AUTOSOMAL RECESSIVE 10; Limb-girdle muscular dystrophy, type 2J. Identifiers: Orphanet 140922, MedGen C1837342, MONDO:0012127, OMIM 608807.
Early-onset myopathy with fatal cardiomyopathy (CMYO5). Also called: CONGENITAL MYOPATHY 5 WITH CARDIOMYOPATHY; Salih Myopathy. Identifiers: Orphanet 289377, MedGen C2673677, MONDO:0012714, OMIM 611705. Disease mechanism: loss of function.
Myopathy, myofibrillar, 9, with early respiratory failure (MFM9). Also called: EDSTROM MYOPATHY; MYOPATHY, PROXIMAL, WITH EARLY RESPIRATORY MUSCLE INVOLVEMENT; Myopathy, distal, with early respiratory failure, autosomal dominant; Hereditary myopathy with early respiratory failure. Identifiers: Orphanet 178464, Orphanet 34521, MedGen C1863599, MONDO:0011362, OMIM 603689.
Tibial muscular dystrophy (TMD). Also called: UDD MYOPATHY; Tibial muscular dystrophy, tardive; Udd Distal Myopathy – Tibial Muscular Dystrophy. Identifiers: Orphanet 609, MedGen C1838244, MONDO:0010870, OMIM 600334.

Allele frequency attached by ClinVar (database versions not stated): ExAC 0.00008; gnomAD 0.00010; TOPMed 0.00010; ESP Exome Variant Server 0.00017.
gnomAD v4.1: 112 of 1,613,602 alleles (0.0069%); highest among the groups gnomAD compares: African/African-American, 0.029%; no homozygotes.

Submissions (13):

Women's Health and Genetics/Laboratory Corporation of America, LabCorp
Classification: Uncertain significance. Last evaluated: 2025-06-16. Review status: criteria provided, single submitter. Criteria: LabCorp Variant Classification Summary - May 2015. Collection method: clinical testing. Allele origin: germline.
Comment: Variant summary: TTN c.73150G>A (p.Val24384Ile) results in a conservative amino acid change of the encoded protein sequence. Algorithms developed to predict the effect of missense changes on protein structure and function all suggest that this variant is likely to be tolerated. The variant allele was found at a frequency of 6.8e-05 in 248218 control chromosomes. This frequency is not significantly higher than estimated for a pathogenic variant in TTN causing Autosomal Recessive Titinopathy (6.8e-05 vs 0.00039), allowing no conclusion about variant significance. To our knowledge, no occurrence of c.73150G>A in individuals affected with Autosomal Recessive Titinopathy and no experimental evidence demonstrating its impact on protein function have been reported. ClinVar contains an entry for this variant (Variation ID: 196070). Based on the evidence outlined above, the variant was classified as uncertain significance.

Molecular Diagnostic Laboratory for Inherited Cardiovascular Disease, Montreal Heart Institute
Classification: Likely benign. Last evaluated: 2025-04-09. Review status: criteria provided, single submitter. Criteria: ACMG Guidelines, 2015. Collection method: clinical testing. Allele origin: germline. Affected: no.

Revvity Omics, Revvity
Classification: Uncertain significance. Last evaluated: 2022-11-09. Review status: criteria provided, single submitter. Criteria: ACMG Guidelines, 2015. Collection method: clinical testing. Allele origin: germline.

GeneDx
Classification: Likely benign. Last evaluated: 2020-11-20. Review status: criteria provided, single submitter. Criteria: GeneDx Variant Classification Process June 2021. Collection method: clinical testing. Allele origin: germline. Affected: yes.

Ambry Genetics
Classification: Benign for Cardiovascular phenotype. Last evaluated: 2020-06-25. Review status: criteria provided, single submitter. Criteria: Ambry Variant Classification Scheme 2023. Collection method: clinical testing. Allele origin: germline.

Illumina Laboratory Services, Illumina
Classification: Likely benign for Myopathy, myofibrillar, 9, with early respiratory failure. Last evaluated: 2018-01-12. Review status: criteria provided, single submitter. Criteria: ICSL Variant Classification Criteria 13 December 2019. Collection method: clinical testing. Allele origin: germline.
Comment: This variant was observed in the ICSL laboratory as part of a predisposition screen in an ostensibly healthy population. It had not been previously curated by ICSL or reported in the Human Gene Mutation Database (HGMD: prior to June 1st, 2018), and was therefore a candidate for classification through an automated scoring system. Utilizing variant allele frequency, disease prevalence and penetrance estimates, and inheritance mode, an automated score was calculated to assess if this variant is too frequent to cause the disease. Based on the score and internal cut-off values, a variant classified as likely benign is not then subjected to further curation. The score for this variant resulted in a classification of likely benign for this disease.

Illumina Laboratory Services, Illumina
Classification: Uncertain significance for Early-onset myopathy with fatal cardiomyopathy. Last evaluated: 2018-01-12. Review status: criteria provided, single submitter. Criteria: ICSL Variant Classification Criteria 13 December 2019. Collection method: clinical testing. Allele origin: germline.

Illumina Laboratory Services, Illumina
Classification: Uncertain significance for Dilated cardiomyopathy 1G. Last evaluated: 2018-01-12. Review status: criteria provided, single submitter. Criteria: ICSL Variant Classification Criteria 13 December 2019. Collection method: clinical testing. Allele origin: germline.

Illumina Laboratory Services, Illumina
Classification: Uncertain significance for Autosomal recessive limb-girdle muscular dystrophy type 2J. Last evaluated: 2018-01-12. Review status: criteria provided, single submitter. Criteria: ICSL Variant Classification Criteria 13 December 2019. Collection method: clinical testing. Allele origin: germline.

Illumina Laboratory Services, Illumina
Classification: Benign for Tibial muscular dystrophy. Last evaluated: 2018-01-12. Review status: criteria provided, single submitter. Criteria: ICSL Variant Classification Criteria 13 December 2019. Collection method: clinical testing. Allele origin: germline.
Comment: This variant was observed in the ICSL laboratory as part of a predisposition screen in an ostensibly healthy population. It had not been previously curated by ICSL or reported in the Human Gene Mutation Database (HGMD: prior to June 1st, 2018), and was therefore a candidate for classification through an automated scoring system. Utilizing variant allele frequency, disease prevalence and penetrance estimates, and inheritance mode, an automated score was calculated to assess if this variant is too frequent to cause the disease. Based on the score and internal cut-off values, a variant classified as benign is not then subjected to further curation. The score for this variant resulted in a classification of benign for this disease.

Labcorp Genetics (formerly Invitae), Labcorp
Classification: Uncertain significance for Dilated cardiomyopathy 1G; Autosomal recessive limb-girdle muscular dystrophy type 2J. Last evaluated: 2017-11-27. Review status: criteria provided, single submitter. Criteria: Invitae Variant Classification Sherloc (09022015). Collection method: clinical testing. Allele origin: germline.

Eurofins Ntd Llc (ga)
Classification: Uncertain significance. Last evaluated: 2015-05-19. Review status: criteria provided, single submitter. Criteria: EGL Classification Definitions 2015. Collection method: clinical testing. Allele origin: germline. Observed: 2 variant alleles, 2 heterozygotes.

PreventionGenetics, part of Exact Sciences
Classification: Uncertain significance for TTN-related condition. Last evaluated: 2024-03-25. Review status: no assertion criteria provided. Collection method: clinical testing. Allele origin: germline. Not counted in ClinVar's aggregate classification.
Comment: The TTN c.80854G>A variant is predicted to result in the amino acid substitution p.Val26952Ile. To our knowledge, this variant has not been reported in the literature. This variant is reported in 0.025% of alleles in individuals of African descent in gnomAD. At this time, the clinical significance of this variant is uncertain due to the absence of conclusive functional and genetic evidence.

NM_001267550.2(TTN):c.80854G>A (p.Val26952Ile)

Genes: TTN-AS1 (TTN antisense RNA 1; plus strand), TTN (titin; minus strand). Cytogenetic location: 2q31.2.
Variant type: single nucleotide variant.
Coding change: c.80854G>A on transcript NM_001267550.2 (MANE Select); coding-DNA position 80854, G replaced by A.
Protein change: p.Val26952Ile; replaces valine 26952 with isoleucine.
Molecular consequence: missense variant.
Genome position (GRCh38, 1-based): chr2:178,565,278, C>T on the plus strand (G>A on the coding strand, the complement: TTN is on the minus strand). VCF-style: chr2-178565278-C-T. GRCh37 (hg19) VCF-style: chr2-179430005-C-T.
Other names: c.75931G>A, p.Val25311Ile (NM_001256850.1); c.53659G>A, p.Val17887Ile (NM_003319.4); c.73150G>A, p.Val24384Ile (NM_133378.4); c.54034G>A, p.Val18012Ile (NM_133432.3); c.54235G>A, p.Val18079Ile (NM_133437.4); short protein forms V26952I, V24384I, V17887I, V18012I, V18079I, V25311I.
Identifiers: ClinVar variation 196070 (VCV000196070.22), dbSNP rs371362606, ClinGen allele CA242835.